The following is an entry in ClinVar:

ClinVar aggregate classification (germline): Likely benign (1 of 4 stars; one submission).

gnomAD v4.1: 9 of 1,607,282 alleles (0.00056%); highest among the groups gnomAD compares: Non-Finnish European, 0.00076%; no homozygotes.

Submission:

CeGaT Center for Human Genetics Tuebingen
Classification: Likely benign. Last evaluated: 2025-02-01. Review status: criteria provided, single submitter. Criteria: CeGaT Center For Human Genetics Tuebingen Variant Classification Criteria Version 2. Collection method: clinical testing. Allele origin: germline. Affected: yes. Observed: 1 variant allele.
Comment: TEDC1: BP4, BP7

NM_001367178.1(TEDC1):c.606C>T (p.Gly202=)

Gene: TEDC1 (tubulin epsilon and delta complex 1; plus strand). Cytogenetic location: 14q32.33.
Variant type: single nucleotide variant.
Coding change: c.606C>T on transcript NM_001367178.1 (MANE Select); coding-DNA position 606, C replaced by T.
Protein change: p.Gly202=; no amino-acid change (glycine 202 retained).
Molecular consequence: synonymous variant. On other transcripts: intron variant (3).
Genome position (GRCh38, 1-based): chr14:105,493,855, C>T. VCF-style: chr14-105493855-C-T. GRCh37 (hg19) VCF-style: chr14-105960192-C-T.
Other names: c.606C>T, p.Gly202= (NM_001134875.2); c.468+1121C>T (NM_001198983.2); c.462+1121C>T (NM_001134877.1); c.585+1121C>T (NM_001134876.2).
Identifiers: ClinVar variation 3771944 (VCV003771944.13).